The following is an entry in ClinVar:

ClinVar aggregate classification (germline): Uncertain significance (1 of 4 stars; one submission).

Conditions:
Inborn genetic diseases. Identifiers: MedGen C0950123, MeSH D030342.

Allele frequency attached by ClinVar (database versions not stated): gnomAD exomes below 0.00001.
gnomAD v4.1: 1 of 1,608,866 alleles (0.000062%); highest among the groups gnomAD compares: South Asian, 0.0011%; no homozygotes.

Submission:

Ambry Genetics
Classification: Uncertain significance for Inborn genetic diseases. Last evaluated: 2023-05-12. Review status: criteria provided, single submitter. Criteria: Ambry Variant Classification Scheme 2023. Collection method: clinical testing. Allele origin: germline.
Comment: The c.2209A>G (p.I737V) alteration is located in exon 11 (coding exon 11) of the DSCAM gene. This alteration results from an A to G substitution at nucleotide position 2209, causing the isoleucine (I) at amino acid position 737 to be replaced by a valine (V). This variant was not reported in population-based cohorts in the Genome Aggregation Database (gnomAD). This amino acid position is highly conserved in available vertebrate species. This alteration is predicted to be tolerated by in silico analysis. Based on insufficient or conflicting evidence, the clinical significance of this alteration remains unclear.

NM_001389.5(DSCAM):c.2209A>G (p.Ile737Val)

Gene: DSCAM (DS cell adhesion molecule; minus strand). Cytogenetic location: 21q22.2.
Variant type: single nucleotide variant.
Coding change: c.2209A>G on transcript NM_001389.5 (MANE Select); coding-DNA position 2209, A replaced by G.
Protein change: p.Ile737Val; replaces isoleucine 737 with valine.
Molecular consequence: missense variant. On other transcripts: non-coding transcript variant (1).
Genome position (GRCh38, 1-based): chr21:40,276,244, T>C on the plus strand (A>G on the coding strand, the complement: DSCAM is on the minus strand). VCF-style: chr21-40276244-T-C. GRCh37 (hg19) VCF-style: chr21-41648171-T-C.
Other names: c.2209A>G, p.Ile737Val (NM_001271534.3, NM_206887.1); short protein forms I737V.
Identifiers: ClinVar variation 2513561 (VCV002513561.2), dbSNP rs2517538653, ClinGen allele CA410594689.
Genomic context (GRCh38, chr21:40,276,244, plus strand): 5'-CGACATGCTTGATCAGCAACGACCCATTGCTGAGAACTTGGATTCGGCCATTTAGGGCAA[T>C]TGGCTGGAACTGGGGAACCCCAGCACCTGAGACAGAAAAAGAAAGACGAGCAATGATGCA-3'
Protein context (NP_001380.2, residues 727-747): KGAGVPQFQP[Ile737Val]ALNGRIQVLS